The following is an entry in ClinVar:

ClinVar aggregate classification (germline): Pathogenic. Review status: reviewed by expert panel (3 of 4 stars). 11 submissions from 11 submitters: Pathogenic (1). 10 of the submissions do not count toward it. Last evaluated 2016-10-18.

Conditions:
Inherited breast cancer and ovarian cancer.
Fanconi anemia, complementation group S (FANCS). Identifiers: MedGen C4554406, MONDO:0054748, OMIM 617883.
Hereditary cancer-predisposing syndrome. Also called: Tumor predisposition; Neoplastic Syndromes, Hereditary; Hereditary Cancer Syndrome; Hereditary neoplastic syndrome. Identifiers: Orphanet 140162, MedGen C0027672, MeSH D009386, MONDO:0015356.
Hereditary breast ovarian cancer syndrome. Also called: Hereditary breast and ovarian cancer syndrome (HBOC); Hereditary breast and ovarian cancer syndrome; Hereditary breast and ovarian cancer; Hereditary breast and/or ovarian cancer syndrome; Breast and ovarian cancer; BRCA1- and BRCA2-Associated Hereditary Breast and Ovarian Cancer. Identifiers: Orphanet 145, MedGen C0677776, MeSH D061325, MONDO:0003582. Disease mechanism: loss of function.
Breast-ovarian cancer, familial, susceptibility to, 1 (BROVCA1). Also called: OVARIAN CANCER, SUSCEPTIBILITY TO; BRCA1 Hereditary Breast and Ovarian Cancer. Identifiers: Orphanet 145, MedGen C2676676, MONDO:0011450, OMIM 604370. Disease mechanism: loss of function.

Submissions (11):

Evidence-based Network for the Interpretation of Germline Mutant Alleles (ENIGMA)
Classification: Pathogenic for Breast-ovarian cancer, familial, susceptibility to, 1. Last evaluated: 2016-10-18. Review status: reviewed by expert panel. Criteria: ENIGMA BRCA1/2 Classification Criteria (2015). Collection method: curation. Allele origin: germline.
Comment: Variant allele predicted to encode a truncated non-functional protein.

Genetics Laboratory, Great Ormond Street Hospital NHS Foundation Trust, North Thames Genomic Laboratory Hub
Classification: Pathogenic for Inherited breast cancer and ovarian cancer. Last evaluated: 2026-04-29. Review status: criteria provided, single submitter. Criteria: CanVIG BRCA Gene Specific V1.22. Collection method: clinical testing. Allele origin: germline. Affected: yes. Not counted in ClinVar's aggregate classification.
Comment: PM2_moderate, PVS1_very-strong, PM5_strong

GeneDx
Classification: Pathogenic. Last evaluated: 2025-09-19. Review status: criteria provided, single submitter. Criteria: GeneDx Variant Classification Process June 2021. Collection method: clinical testing. Allele origin: germline. Affected: yes. Not counted in ClinVar's aggregate classification.
Comment: Frameshift variant predicted to result in protein truncation or nonsense mediated decay in a gene for which loss of function is a known mechanism of disease; Not observed in large population cohorts (gnomAD); Has not been previously published as pathogenic or benign to our knowledge; Truncating variants in this gene are considered pathogenic by a well-established clinical consortium and/or database; Also known as 2332_2333dupTT

Labcorp Genetics (formerly Invitae), Labcorp
Classification: Pathogenic for Hereditary breast ovarian cancer syndrome. Last evaluated: 2025-05-15. Review status: criteria provided, single submitter. Criteria: Invitae Variant Classification Sherloc (09022015). Collection method: clinical testing. Allele origin: germline. Not counted in ClinVar's aggregate classification.
Comment: This sequence change creates a premature translational stop signal (p.Lys739Leufs*15) in the BRCA1 gene. It is expected to result in an absent or disrupted protein product. Loss-of-function variants in BRCA1 are known to be pathogenic (PMID: 20104584). This variant is not present in population databases (gnomAD no frequency). This premature translational stop signal has been observed in individual(s) with breast and/or ovarian cancer (PMID: 29446198). ClinVar contains an entry for this variant (Variation ID: 37457). For these reasons, this variant has been classified as Pathogenic.

Ambry Genetics
Classification: Pathogenic for Hereditary cancer-predisposing syndrome. Last evaluated: 2024-07-08. Review status: criteria provided, single submitter. Criteria: Ambry Variant Classification Scheme 2023. Collection method: clinical testing. Allele origin: germline. Not counted in ClinVar's aggregate classification.
Comment: The c.2213_2214dupTT pathogenic mutation, located in coding exon 9 of the BRCA1 gene, results from a duplication of TT at nucleotide position 2213, causing a translational frameshift with a predicted alternate stop codon (p.K739Lfs*15). This alteration was identified in a large, worldwide study of BRCA1/2 mutation positive families (Rebbeck TR et al. Hum Mutat, 2018 05;39:593-620). This alteration is expected to result in loss of function by premature protein truncation or nonsense-mediated mRNA decay. In addition, this variant is considered to be rare based on population cohorts in the Genome Aggregation Database (gnomAD). As such, this alteration is interpreted as a disease-causing mutation.

Sema4
Classification: Pathogenic for Hereditary cancer-predisposing syndrome. Last evaluated: 2022-01-23. Review status: criteria provided, single submitter. Criteria: Sema4 Curation Guidelines. Collection method: curation. Allele origin: germline. Not counted in ClinVar's aggregate classification.
Comment: The BRCA1 c.2213_2214dupTT (p.K739LfsX15) variant has been reported in breast and/or ovarian cancer families (PMID: 29446198). This variant causes a frameshift at amino acid 739 that results in premature termination 15 amino acids downstream. At this location, this variant is predicted to cause loss of normal protein function either through protein truncation or nonsense-mediated mRNA decay. Loss of function of the BRCA1 gene is an established disease mechanism in HBOC (PMID: 29446198). This variant is not reported in the population database Genome Aggregation Database (PMID: 32461654). This variant has been reported in ClinVar (Variation ID: 37457). Based on the current evidence available, this variant is interpreted as pathogenic.

Department of Pathology and Laboratory Medicine, Sinai Health System
Classification: Pathogenic for Fanconi anemia, complementation group S. Last evaluated: 2021-11-23. Review status: criteria provided, single submitter. Criteria: ACMG Guidelines, 2015. Collection method: clinical testing. Allele origin: germline. Affected: no. Not counted in ClinVar's aggregate classification.

Baylor Genetics
Classification: Pathogenic for Breast-ovarian cancer, familial, susceptibility to, 1. Last evaluated: 2021-08-06. Review status: criteria provided, single submitter. Criteria: ACMG Guidelines, 2015. Collection method: clinical testing. Allele origin: unknown. Not counted in ClinVar's aggregate classification.

Consortium of Investigators of Modifiers of BRCA1/2 (CIMBA), c/o University of Cambridge
Classification: Pathogenic for Breast-ovarian cancer, familial, susceptibility to, 1. Last evaluated: 2015-10-02. Review status: criteria provided, single submitter. Criteria: CIMBA Mutation Classification guidelines May 2016. Collection method: clinical testing. Allele origin: germline. Not counted in ClinVar's aggregate classification.

KCCC/NGS Laboratory, Kuwait Cancer Control Center
Classification: Pathogenic for Breast-ovarian cancer, familial, susceptibility to, 1. Last evaluated: 2023-05-05. Review status: no assertion criteria provided. Collection method: clinical testing. Allele origin: germline. Affected: yes. Not counted in ClinVar's aggregate classification.
Comment: A pathogenic frameshift mutation in the BRCA1 gene (p.Lys739fs) in this specimen. Pathogenic mutations in the BRCA1 gene cause Hereditary Breast/Ovarian Cancer syndrome (HBOC).

Sharing Clinical Reports Project (SCRP)
Classification: Pathogenic for Breast-ovarian cancer, familial 1. Last evaluated: 2012-05-10. Review status: no assertion criteria provided. Collection method: clinical testing. Allele origin: germline. Not counted in ClinVar's aggregate classification.

Literature cited by the submitters: PubMed 20104584 (cited by Labcorp Genetics (formerly Invitae), Labcorp and KCCC/NGS Laboratory, Kuwait Cancer Control Center); PubMed 29446198 (cited by 3 submitters).

NM_007294.4(BRCA1):c.2213_2214dup (p.Lys739fs)

Gene: BRCA1 (BRCA1 DNA repair associated; minus strand). Cytogenetic location: 17q21.31.
Variant type: Duplication.
Coding change: c.2213_2214dup on transcript NM_007294.4 (MANE Select); coding-DNA positions 2213 to 2214, 2 bases duplicated (TT; older notation c.2213_2214dupTT).
Protein change: p.Lys739fs; shifts the reading frame from lysine 739.
Molecular consequence: frameshift variant. On other transcripts: intron variant (137).
Genome position (GRCh38, 1-based): chr17:43,093,317-43,093,318, AA duplicated on the plus strand (TT on the coding strand, the reverse complement: BRCA1 is on the minus strand). VCF-style (leftmost placement, unchanged base first): chr17-43093316-T-TAA. GRCh37 (hg19) VCF-style: chr17-41245333-T-TAA.
Other names: 2332insTT; 2333insTT; c.2213_2214dupTT (NM_007294.3); c.787+1426_787+1427dup (NM_001407977.1, NM_001407982.1, NM_001407970.1 and 17 more transcripts); c.646+1426_646+1427dup (NM_001408410.1, NM_001408458.1, NM_001408469.1 and 11 more transcripts); c.709+1426_709+1427dup (NM_001408415.1, NM_001408412.1, NM_001408409.1 and 2 more transcripts); c.577+1426_577+1427dup (NM_001408483.1, NM_001408481.1, NM_001408480.1 and 9 more transcripts); c.664+1426_664+1427dup (NM_001408442.1, NM_001408426.1, NM_001408436.1 and 12 more transcripts); and 45 more; short protein forms K739fs, K692fs, K650fs, K651fs, K691fs, K611fs, K627fs, K628fs.
Identifiers: ClinVar variation 37457 (VCV000037457.27), dbSNP rs80357574, ClinGen allele CA001481.
Genomic context (GRCh38, chr17:43,093,316, plus strand): 5'-GCAAAACCCTTTCTCCACTTAACATGAGATCTTTGGGGTCTTCAGCATTATTAGACACTT[T>TAA]AACTGTTTCTAGTTTCTCTTCTTTTTCTTCTCTTGGAAGGCTAGGATTGACAAATTCTTT-3'